The following is an entry in ClinVar:

ClinVar aggregate classification (germline): Uncertain significance (1 of 4 stars; one submission).

gnomAD v4.1: 9 of 1,611,570 alleles (0.00056%); highest among the groups gnomAD compares: Non-Finnish European, 0.00076%; no homozygotes.

Submission:

GeneDx
Classification: Uncertain significance. Last evaluated: 2023-12-05. Review status: criteria provided, single submitter. Criteria: GeneDx Variant Classification Process June 2021. Collection method: clinical testing. Allele origin: germline. Affected: yes.
Comment: Not observed at significant frequency in large population cohorts (gnomAD); In silico analysis supports that this missense variant has a deleterious effect on protein structure/function; Has not been previously published as pathogenic or benign to our knowledge

NM_003922.4(HERC1):c.8332G>A (p.Gly2778Arg)

Gene: HERC1 (HECT and RLD domain containing E3 ubiquitin protein ligase family member 1; minus strand). Cytogenetic location: 15q22.31.
Variant type: single nucleotide variant.
Coding change: c.8332G>A on transcript NM_003922.4 (MANE Select); coding-DNA position 8332, G replaced by A.
Protein change: p.Gly2778Arg; replaces glycine 2778 with arginine.
Molecular consequence: missense variant.
Genome position (GRCh38, 1-based): chr15:63,666,142, C>T on the plus strand (G>A on the coding strand, the complement: HERC1 is on the minus strand). VCF-style: chr15-63666142-C-T. GRCh37 (hg19) VCF-style: chr15-63958341-C-T.
Other names: short protein forms G2778R.
Identifiers: ClinVar variation 3365007 (VCV003365007.1).